The following is an entry in ClinVar:

ClinVar aggregate classification (germline): Uncertain significance. Review status: criteria provided, multiple submitters, no conflicts (2 of 4 stars). 3 submissions from 3 submitters: Uncertain significance (3). Last evaluated 2023-10-01.

Conditions:
Retinal dystrophy. Also called: Inherited retinal dystrophy. Identifiers: Orphanet 71862, MedGen C0854723, MeSH D058499, MONDO:0019118, HP:0000556.

Allele frequency attached by ClinVar (database versions not stated): TOPMed below 0.00001; ExAC 0.00001; gnomAD 0.00001; gnomAD exomes 0.00001.
gnomAD v4.1: 13 of 1,609,872 alleles (0.00081%); highest among the groups gnomAD compares: East Asian, 0.027%; no homozygotes.

Submissions (3):

Dept Of Ophthalmology, Nagoya University
Classification: Uncertain significance for Retinal dystrophy. Last evaluated: 2023-10-01. Review status: criteria provided, single submitter. Criteria: Submitter's publication. Collection method: research. Allele origin: germline. Affected: yes.

Labcorp Genetics (formerly Invitae), Labcorp
Classification: Uncertain significance. Last evaluated: 2022-09-27. Review status: criteria provided, single submitter. Criteria: Invitae Variant Classification Sherloc (09022015). Collection method: clinical testing. Allele origin: germline.
Comment: This sequence change replaces methionine, which is neutral and non-polar, with threonine, which is neutral and polar, at codon 206 of the CERKL protein (p.Met206Thr). This variant is present in population databases (rs768703034, gnomAD 0.005%). This variant has not been reported in the literature in individuals affected with CERKL-related conditions. Advanced modeling of protein sequence and biophysical properties (such as structural, functional, and spatial information, amino acid conservation, physicochemical variation, residue mobility, and thermodynamic stability) performed at Invitae indicates that this missense variant is not expected to disrupt CERKL protein function. In summary, the available evidence is currently insufficient to determine the role of this variant in disease. Therefore, it has been classified as a Variant of Uncertain Significance.

Blueprint Genetics
Classification: Uncertain significance. Last evaluated: 2022-04-27. Review status: criteria provided, single submitter. Criteria: ACMG Guidelines, 2015. Collection method: clinical testing. Allele origin: germline.

NM_201548.5(CERKL):c.617T>C (p.Met206Thr)

Gene: CERKL (CERK like autophagy regulator; minus strand). Cytogenetic location: 2q31.3.
Variant type: single nucleotide variant.
Coding change: c.617T>C on transcript NM_201548.5 (MANE Select); coding-DNA position 617, T replaced by C.
Protein change: p.Met206Thr; replaces methionine 206 with threonine.
Molecular consequence: missense variant. On other transcripts: intron variant (2).
Genome position (GRCh38, 1-based): chr2:181,566,118, A>G on the plus strand (T>C on the coding strand, the complement: CERKL is on the minus strand). VCF-style: chr2-181566118-A-G. GRCh37 (hg19) VCF-style: chr2-182430845-A-G.
Other names: c.617T>C, p.Met206Thr (NM_001030311.3); c.485T>C, p.Met162Thr (NM_001160277.2); c.482-16410T>C (NM_001030312.3); c.613+7635T>C (NM_001030313.3); short protein forms M162T, M206T.
Identifiers: ClinVar variation 2055449 (VCV002055449.3), dbSNP rs768703034, ClinGen allele CA2010749.